The following is an entry in ClinVar:

ClinVar aggregate classification (germline): Pathogenic. Review status: criteria provided, multiple submitters, no conflicts (2 of 4 stars). 2 submissions from 2 submitters: Pathogenic (2). Last evaluated 2026-02-02.

Conditions:
Inborn genetic diseases. Identifiers: MedGen C0950123, MeSH D030342.

gnomAD v4.1: 4 of 1,614,084 alleles (0.00025%); highest among the groups gnomAD compares: East Asian, 0.0022%; no homozygotes.

Submissions (2):

GeneDx
Classification: Pathogenic. Last evaluated: 2026-02-02. Review status: criteria provided, single submitter. Criteria: GeneDx Variant Classification Process June 2021. Collection method: clinical testing. Allele origin: germline.
Comment: Nonsense variant predicted to result in protein truncation or nonsense mediated decay in a gene for which loss of function is a known mechanism of disease; Not observed at significant frequency in large population cohorts (gnomAD); This variant is associated with the following publications: (PMID: Cossu2017[Case report], 29399786, 29968795)

Ambry Genetics
Classification: Pathogenic for Inborn genetic diseases. Last evaluated: 2024-05-29. Review status: criteria provided, single submitter. Criteria: Ambry Variant Classification Scheme 2023. Collection method: clinical testing. Allele origin: germline.
Comment: The c.3823C>T (p.R1275*) alteration, located in exon 34 (coding exon 33) of the NALCN gene, consists of a C to T substitution at nucleotide position 3823. This changes the amino acid from an arginine (R) to a stop codon at amino acid position 1275. This alteration is expected to result in loss of function by premature protein truncation or nonsense-mediated mRNA decay. for autosomal recessive infantile hypotonia with psychomotor retardation and characteristic facies; however, its clinical significance for autosomal dominant congenital contractures of the limbs and face, hypotonia, and developmental delay is uncertain Based on data from gnomAD, the T allele has an overall frequency of <0.001% (1/251146) total alleles studied. The highest observed frequency was 0.005% (1/18360) of East Asian alleles. This variant has been identified in trans with another NALCN variant in siblings with features consistent with infantile hypotonia with psychomotor retardation and characteristic facies (Angius, 2018). Based on the available evidence, this alteration is classified as pathogenic.

Literature cited by the submitters: PubMed 29399786 (cited by Ambry Genetics).

NM_052867.4(NALCN):c.3823C>T (p.Arg1275Ter)

Gene: NALCN (sodium leak channel, non-selective; minus strand). Cytogenetic location: 13q32.3.
Variant type: single nucleotide variant.
Coding change: c.3823C>T on transcript NM_052867.4 (MANE Select); coding-DNA position 3823, C replaced by T.
Protein change: p.Arg1275Ter; replaces arginine 1275 with a stop codon.
Molecular consequence: nonsense.
Genome position (GRCh38, 1-based): chr13:101,081,589, G>A on the plus strand (C>T on the coding strand, the complement: NALCN is on the minus strand). VCF-style: chr13-101081589-G-A. GRCh37 (hg19) VCF-style: chr13-101733940-G-A.
Other names: c.3910C>T, p.Arg1304Ter (NM_001350748.2); c.3823C>T, p.Arg1275Ter (NM_001350749.2); c.3736C>T, p.Arg1246Ter (NM_001350750.2, NM_001350751.2); short protein forms R1304*, R1246*, R1275*.
Identifiers: ClinVar variation 3298399 (VCV003298399.2).
Genomic context (GRCh38, chr13:101,081,589, plus strand): 5'-GGAGGGCAAAGTGAAGCACCACCCATACAACGCCAAGCGACGTCACCAGGAGATCGTATC[G>A]GTTTCTTCTGCTTTGCCAGAAGCCAGCAGGCGACATTGCTATGATCTTCATGGTAACCTG-3'